The following is an entry in ClinVar:

ClinVar aggregate classification (germline): Uncertain significance (1 of 4 stars; one submission).

Conditions:
MAP1A-related disorder. Also called: MAP1A-related condition.

gnomAD v4.1: 1 of 1,613,460 alleles (0.000062%); highest among the groups gnomAD compares: Admixed American, 0.0017%; no homozygotes.

Submission:

PreventionGenetics, part of Exact Sciences
Classification: Uncertain significance for MAP1A-related condition. Last evaluated: 2025-05-13. Review status: criteria provided, single submitter. Criteria: ACMG Guidelines, 2015. Collection method: clinical testing. Allele origin: germline.
Comment: The MAP1A c.7981G>A variant is predicted to result in the amino acid substitution p.Asp2661Asn. To our knowledge, this variant has not been reported in the literature. This variant is reported in 0.0029% of alleles in individuals of Latino descent in gnomAD. At this time, the clinical significance of this variant is uncertain due to the absence of conclusive functional and genetic evidence.

NM_002373.6(MAP1A):c.7981G>A (p.Asp2661Asn)

Gene: MAP1A (microtubule associated protein 1A; plus strand). Cytogenetic location: 15q15.3.
Variant type: single nucleotide variant.
Coding change: c.7981G>A on transcript NM_002373.6 (MANE Select); coding-DNA position 7981, G replaced by A.
Protein change: p.Asp2661Asn; replaces aspartic acid 2661 with asparagine.
Molecular consequence: missense variant.
Genome position (GRCh38, 1-based): chr15:43,529,454, G>A. VCF-style: chr15-43529454-G-A. GRCh37 (hg19) VCF-style: chr15-43821652-G-A.
Other names: c.8695G>A, p.Asp2899Asn (NM_001411089.1); short protein forms D2899N, D2661N.
Identifiers: ClinVar variation 5000898 (VCV005000898.1).